The following is an entry in ClinVar:

NM_006073.4(TRDN):c.581A>G (p.Glu194Gly)

Gene: TRDN (triadin; minus strand). Cytogenetic location: 6q22.31.
Variant type: single nucleotide variant.
Coding change: c.581A>G on transcript NM_006073.4 (MANE Select); coding-DNA position 581, A replaced by G.
Protein change: p.Glu194Gly; replaces glutamic acid 194 with glycine.
Molecular consequence: missense variant.
Genome position (GRCh38, 1-based): chr6:123,512,332, T>C on the plus strand (A>G on the coding strand, the complement: TRDN is on the minus strand). VCF-style: chr6-123512332-T-C. GRCh37 (hg19) VCF-style: chr6-123833477-T-C.
Other names: c.581A>G, p.Glu194Gly (NM_001251987.2, NM_001256020.2, NM_001256021.2 and 1 more transcripts); short protein forms E194G.
Identifiers: ClinVar variation 4865906 (VCV004865906.1).
Genomic context (GRCh38, chr6:123,512,332, plus strand): 5'-TAGTTATGGAAATAATAAATTGAAAAGTTACCTTTCGCCAGTGTCTTTGTTTCTGGTTTT[T>C]CTTTTTTCTCAATTTTTTCCTTGTGAGTTGCTTAAACAGAAAATTTTACATTAGTACACA-3'
Protein context (NP_006064.2, residues 184-204): ATHKEKIEKK[Glu194Gly]KPETKTLAKE

ClinVar aggregate classification (germline): Uncertain significance (1 of 4 stars; one submission).

Conditions:
Cardiovascular phenotype. Identifiers: MedGen CN230736.

Submission:

Ambry Genetics
Classification: Uncertain significance for Cardiovascular phenotype. Last evaluated: 2026-05-14. Review status: criteria provided, single submitter. Criteria: Ambry Variant Classification Scheme 2023. Collection method: clinical testing. Allele origin: germline.
Comment: The p.E194G variant (also known as c.581A>G), located in coding exon 7 of the TRDN gene, results from an A to G substitution at nucleotide position 581. The glutamic acid at codon 194 is replaced by glycine, an amino acid with similar properties. This amino acid position is conserved. In addition, the in silico prediction for this alteration is inconclusive. Based on the available evidence, the clinical significance of this variant remains unclear.